The following is an entry in ClinVar:

ClinVar aggregate classification (germline): Uncertain significance. Review status: criteria provided, multiple submitters, no conflicts (2 of 4 stars). 2 submissions from 2 submitters: Uncertain significance (2). Last evaluated 2024-01-31.

Conditions:
Aicardi-Goutieres syndrome 7 (AGS7). Identifiers: Orphanet 51, MedGen C3888244, MONDO:0014367, OMIM 615846.
Singleton-Merten syndrome 1 (SGMRT1). Also called: Widened medullary cavities of bone, aortic calcification, abnormal dentition, and muscular weakness; Syndrome of widened medullary cavities of the metacarpals and phalanges, aortic calcification and abnormal dentition. Identifiers: Orphanet 85191, MedGen C4225427, MONDO:0024535, OMIM 182250.

gnomAD v4.1: 1 of 1,613,358 alleles (0.000062%); highest among the groups gnomAD compares: Admixed American, 0.0017%; no homozygotes.

Submissions (2):

Labcorp Genetics (formerly Invitae), Labcorp
Classification: Uncertain significance for Aicardi-Goutieres syndrome 7; Singleton-Merten syndrome 1. Last evaluated: 2024-01-31. Review status: criteria provided, single submitter. Criteria: Invitae Variant Classification Sherloc (09022015). Collection method: clinical testing. Allele origin: germline.
Comment: This sequence change replaces glutamic acid, which is acidic and polar, with glycine, which is neutral and non-polar, at codon 842 of the IFIH1 protein (p.Glu842Gly). This variant is present in population databases (no rsID available, gnomAD 0.003%). This variant has not been reported in the literature in individuals affected with IFIH1-related conditions. ClinVar contains an entry for this variant (Variation ID: 1300577). Advanced modeling of protein sequence and biophysical properties (such as structural, functional, and spatial information, amino acid conservation, physicochemical variation, residue mobility, and thermodynamic stability) has been performed at Invitae for this missense variant, however the output from this modeling did not meet the statistical confidence thresholds required to predict the impact of this variant on IFIH1 protein function. In summary, the available evidence is currently insufficient to determine the role of this variant in disease. Therefore, it has been classified as a Variant of Uncertain Significance.

GeneDx
Classification: Uncertain significance. Last evaluated: 2021-10-06. Review status: criteria provided, single submitter. Criteria: GeneDx Variant Classification Process June 2021. Collection method: clinical testing. Allele origin: germline. Affected: yes.
Comment: Not observed at significant frequency in large population cohorts (Lek et al., 2016); In silico analysis supports that this missense variant has a deleterious effect on protein structure/function; Has not been previously published as pathogenic or benign to our knowledge

NM_022168.4(IFIH1):c.2525A>G (p.Glu842Gly)

Gene: IFIH1 (interferon induced with helicase C domain 1; minus strand). Cytogenetic location: 2q24.2.
Variant type: single nucleotide variant.
Coding change: c.2525A>G on transcript NM_022168.4 (MANE Select); coding-DNA position 2525, A replaced by G.
Protein change: p.Glu842Gly; replaces glutamic acid 842 with glycine.
Molecular consequence: missense variant.
Genome position (GRCh38, 1-based): chr2:162,272,317, T>C on the plus strand (A>G on the coding strand, the complement: IFIH1 is on the minus strand). VCF-style: chr2-162272317-T-C. GRCh37 (hg19) VCF-style: chr2-163128827-T-C.
Other names: short protein forms E842G.
Identifiers: ClinVar variation 1300577 (VCV001300577.4), dbSNP rs775472922, ClinGen allele CA348994293.